The following is an entry in ClinVar:

ClinVar aggregate classification (germline): Uncertain significance (1 of 4 stars; one submission).

Submission:

Labcorp Genetics (formerly Invitae), Labcorp
Classification: Uncertain significance. Last evaluated: 2024-09-05. Review status: criteria provided, single submitter. Criteria: Invitae Variant Classification Sherloc (09022015). Collection method: clinical testing. Allele origin: germline.
Comment: This sequence change affects a donor splice site in intron 17 of the RASA2 gene. It is expected to disrupt RNA splicing. Variants that disrupt the donor or acceptor splice site typically lead to a loss of protein function (PMID: 16199547), however the current clinical and genetic evidence is not sufficient to establish whether loss-of-function variants in RASA2 cause disease. This variant is not present in population databases (gnomAD no frequency). This variant has not been reported in the literature in individuals affected with RASA2-related conditions. Algorithms developed to predict the effect of sequence changes on RNA splicing suggest that this variant may disrupt the consensus splice site. In summary, the available evidence is currently insufficient to determine the role of this variant in disease. Therefore, it has been classified as a Variant of Uncertain Significance.

Literature cited by the submitters: PubMed 16199547.

NM_006506.5(RASA2):c.1752+2T>C

Gene: RASA2 (RAS p21 protein activator 2; plus strand). Cytogenetic location: 3q23.
Variant type: single nucleotide variant.
Coding change: c.1752+2T>C on transcript NM_006506.5 (MANE Select); the canonical splice donor site of the intron after coding-DNA position 1752, T replaced by C.
Molecular consequence: splice donor variant.
Genome position (GRCh38, 1-based): chr3:141,581,179, T>C. VCF-style: chr3-141581179-T-C. GRCh37 (hg19) VCF-style: chr3-141300021-T-C.
Other names: c.1752+2T>C (NM_001303245.3, NM_001303246.3).
Identifiers: ClinVar variation 3680658 (VCV003680658.2).
Genomic context (GRCh38, chr3:141,581,179, plus strand): 5'-TCATGTGTGAATTTTTCAAAATGTTTCAAGAAGAAGGATATATTATAGCAGTTAAAAAGG[T>C]ATGATGGTTTTATTCTGGAATTGTTAATATTTATTTCATATAACATGGGGAAATAACATT-3'